The following is an entry in ClinVar:

ClinVar aggregate classification (germline): Likely benign. Review status: criteria provided, single submitter (1 of 4 stars). 2 submissions from 2 submitters: Likely benign (1). 1 of the submissions does not count toward it. Last evaluated 2023-09-20.

Conditions:
DNAH2-related disorder. Also called: DNAH2-related condition.

Allele frequency attached by ClinVar (database versions not stated): TOPMed 0.00003; gnomAD 0.00020; gnomAD exomes 0.00027; ExAC 0.00074; 1000 Genomes Project 0.00100; 1000 Genomes Project 30x 0.00109.
gnomAD v4.1: 425 of 1,614,116 alleles (0.026%); highest among the groups gnomAD compares: South Asian, 0.45%; 5 homozygotes.

Submissions (2):

Blueprint Genetics
Classification: Likely benign. Last evaluated: 2023-09-20. Review status: criteria provided, single submitter. Criteria: ACMG Guidelines, 2015. Collection method: clinical testing. Allele origin: germline.

PreventionGenetics, part of Exact Sciences
Classification: Likely benign for DNAH2-related condition. Last evaluated: 2019-05-13. Review status: no assertion criteria provided. Collection method: clinical testing. Allele origin: germline. Not counted in ClinVar's aggregate classification.
Comment: This variant is classified as likely benign based on ACMG/AMP sequence variant interpretation guidelines (Richards et al. 2015 PMID: 25741868, with internal and published modifications).

NM_020877.5(DNAH2):c.1107C>A (p.Arg369=)

Gene: DNAH2 (dynein axonemal heavy chain 2; plus strand). Cytogenetic location: 17p13.1.
Variant type: single nucleotide variant.
Coding change: c.1107C>A on transcript NM_020877.5 (MANE Select); coding-DNA position 1107, C replaced by A.
Protein change: p.Arg369=; no amino-acid change (arginine 369 retained).
Molecular consequence: synonymous variant.
Genome position (GRCh38, 1-based): chr17:7,737,195, C>A. VCF-style: chr17-7737195-C-A. GRCh37 (hg19) VCF-style: chr17-7640513-C-A.
Other names: c.1107C>A, p.Arg369= (NM_001303270.2).
Identifiers: ClinVar variation 3041431 (VCV003041431.3), dbSNP rs530963610, ClinGen allele CA8356024.